The following is an entry in ClinVar:

ClinVar aggregate classification (germline): Conflicting classifications of pathogenicity. Review status: criteria provided, conflicting classifications (1 of 4 stars). 6 submissions from 6 submitters: Uncertain significance (1); Likely benign (3). 2 of the submissions do not count toward it. Last evaluated 2026-01-27.

Conditions:
ZNF423-related disorder. Also called: ZNF423-related condition.
Nephronophthisis 14 (NPHP14). Identifiers: Orphanet 2318, MedGen C3539071, MONDO:0013916, OMIM 614844.

Allele frequency attached by ClinVar (database versions not stated): gnomAD exomes 0.00013 and 0.00037; ExAC 0.00042; gnomAD 0.00147 and 0.00158; TOPMed 0.00155; 1000 Genomes Project 0.00160; ESP Exome Variant Server 0.00169; 1000 Genomes Project 30x 0.00172.
gnomAD v4.1: 417 of 1,614,024 alleles (0.026%); highest among the groups gnomAD compares: African/African-American, 0.47%; 2 homozygotes.

Submissions (7):

Labcorp Genetics (formerly Invitae), Labcorp
Classification: Likely benign for Nephronophthisis 14. Last evaluated: 2026-01-27. Review status: criteria provided, single submitter. Criteria: Invitae Variant Classification Sherloc (09022015). Collection method: clinical testing. Allele origin: germline.

CeGaT Center for Human Genetics Tuebingen
Classification: Likely benign. Last evaluated: 2025-03-01. Review status: criteria provided, single submitter. Criteria: CeGaT Center For Human Genetics Tuebingen Variant Classification Criteria Version 2. Collection method: clinical testing. Allele origin: germline. Affected: yes. Observed: 1 variant allele.
Comment: ZNF423: BP4, BS1

Blueprint Genetics
Classification: Likely benign. Last evaluated: 2024-11-12. Review status: criteria provided, single submitter. Criteria: ACMG Guidelines, 2015. Collection method: clinical testing. Allele origin: germline.

Eurofins Ntd Llc (ga)
Classification: Uncertain significance. Last evaluated: 2014-07-29. Review status: criteria provided, single submitter. Criteria: EGL Classification Definitions 2015. Collection method: clinical testing. Allele origin: germline. Observed: 2 variant alleles, 2 heterozygotes.

PreventionGenetics, part of Exact Sciences
Classification: Likely benign for ZNF423-related condition. Last evaluated: 2024-05-29. Review status: no assertion criteria provided. Collection method: clinical testing. Allele origin: germline. Not counted in ClinVar's aggregate classification.
Comment: This variant is classified as likely benign based on ACMG/AMP sequence variant interpretation guidelines (Richards et al. 2015 PMID: 25741868, with internal and published modifications).

Department of Pathology and Laboratory Medicine, Sinai Health System
Classification: Uncertain significance. Review status: no assertion criteria provided. Collection method: clinical testing. Allele origin: unknown. Affected: yes. Study: The Canadian Open Genetics Repository (COGR). Not counted in ClinVar's aggregate classification.
Comment: The ZNF423 p.Gly427Val variant was not identified in the literature but was identified in dbSNP (ID: rs34425379), LOVD 3.0 and ClinVar (classified as uncertain significance by EGL Genetic Diagnostics and as likely benign by Invitae). The variant was identified in control databases in 136 of 282704 chromosomes at a frequency of 0.0004811 increasing the likelihood this could be a low frequency benign variant (Genome Aggregation Database March 6, 2019, v2.1.1). The variant was observed in the following populations: African in 116 of 24916 chromosomes (freq: 0.004656), Other in 4 of 7216 chromosomes (freq: 0.000554), Latino in 14 of 35438 chromosomes (freq: 0.000395) and European (non-Finnish) in 2 of 129102 chromosomes (freq: 0.000015), but was not observed in the Ashkenazi Jewish, East Asian, European (Finnish), or South Asian populations. The p.Gly427 residue is conserved in mammals and computational analyses (PolyPhen-2, SIFT, AlignGVGD, BLOSUM, MutationTaster) provide inconsistent predictions regarding the impact to the protein; this information is not very predictive of pathogenicity. The variant occurs outside of the splicing consensus sequence however three of four in silico or computational prediction software programs (SpliceSiteFinder, MaxEntScan, NNSPLICE, GeneSplicer) predict a greater than 10% difference in splicing and the creation of a new 5' splice site. However, this has not been confirmed by RNA analysis and is not predictive enough to assume pathogenicity. In summary, based on the above information the clinical significance of this variant cannot be determined with certainty at this time. This variant is classified as a variant of uncertain significance.

Dr. Peter K. Rogan Lab, Western University
No classification provided (evidence only). Condition: Cervical cancer. Review status: no classification provided. Collection method: in vitro. Allele origin: not applicable. Functional consequence: retained intron. Not counted in ClinVar's aggregate classification.

NM_001379286.1(ZNF423):c.1655G>T (p.Gly552Val)

Gene: ZNF423 (zinc finger protein 423; minus strand). Cytogenetic location: 16q12.1.
Variant type: single nucleotide variant.
Coding change: c.1655G>T on transcript NM_001379286.1 (MANE Select); coding-DNA position 1655, G replaced by T.
Protein change: p.Gly552Val; replaces glycine 552 with valine.
Molecular consequence: missense variant.
Genome position (GRCh38, 1-based): chr16:49,637,521, C>A on the plus strand (G>T on the coding strand, the complement: ZNF423 is on the minus strand). VCF-style: chr16-49637521-C-A. GRCh37 (hg19) VCF-style: chr16-49671432-C-A.
Other names: c.1631G>T (NM_015069.4); c.1451G>T, p.Gly484Val (NM_001271620.2); c.1280G>T, p.Gly427Val (NM_001330533.2); c.1631G>T, p.Gly544Val (NM_015069.5); short protein forms G484V, G544V, G427V, G552V.
Identifiers: ClinVar variation 197817 (VCV000197817.27), dbSNP rs34425379, ClinGen allele CA246161.